The following is an entry in ClinVar:

ClinVar aggregate classification (germline): Likely benign. Review status: criteria provided, multiple submitters, no conflicts (2 of 4 stars). 6 submissions from 6 submitters: Likely benign (6). Last evaluated 2025-11-03.

Conditions:
MAP2K1-related disorder. Also called: MAP2K1-related disorders; MAP2K1-related condition.
Noonan syndrome and Noonan-related syndrome. Identifiers: Orphanet 98733, MedGen C5681679, MONDO:0020297.
Cardiovascular phenotype. Identifiers: MedGen CN230736.
RASopathy. Also called: Noonan spectrum disorder; rasopathies. Identifiers: Orphanet 536391, MedGen C5555857, MONDO:0021060.

Allele frequency attached by ClinVar (database versions not stated): gnomAD 0.00002; gnomAD exomes 0.00002; TOPMed 0.00002.
gnomAD v4.1: 15 of 1,613,954 alleles (0.00093%); highest among the groups gnomAD compares: African/African-American, 0.0093%; no homozygotes.

Submissions (6):

Labcorp Genetics (formerly Invitae), Labcorp
Classification: Likely benign for RASopathy. Last evaluated: 2025-11-03. Review status: criteria provided, single submitter. Criteria: Invitae Variant Classification Sherloc (09022015). Collection method: clinical testing. Allele origin: germline.

PreventionGenetics, part of Exact Sciences
Classification: Likely benign for MAP2K1-related condition. Last evaluated: 2025-01-14. Review status: criteria provided, single submitter. Criteria: ACMG Guidelines, 2015. Collection method: clinical testing. Allele origin: germline.
Comment: This variant is classified as likely benign based on ACMG/AMP sequence variant interpretation guidelines (Richards et al. 2015 PMID: 25741868, with internal and published modifications).

Women's Health and Genetics/Laboratory Corporation of America, LabCorp
Classification: Likely benign. Last evaluated: 2024-10-15. Review status: criteria provided, single submitter. Criteria: LabCorp Variant Classification Summary - May 2015. Collection method: clinical testing. Allele origin: germline.

Ambry Genetics
Classification: Likely benign for Cardiovascular phenotype. Last evaluated: 2019-08-24. Review status: criteria provided, single submitter. Criteria: Ambry Variant Classification Scheme 2023. Collection method: clinical testing. Allele origin: germline.

Genome Diagnostics Laboratory, The Hospital for Sick Children
Classification: Likely benign for Noonan syndrome and Noonan-related syndrome. Last evaluated: 2017-12-01. Review status: criteria provided, single submitter. Criteria: ACMG Guidelines, 2015. Collection method: clinical testing. Allele origin: germline.

GeneDx
Classification: Likely benign. Last evaluated: 2016-02-29. Review status: criteria provided, single submitter. Criteria: GeneDx Variant Classification (06012015). Collection method: clinical testing. Allele origin: germline. Affected: yes.
Comment: This variant is considered likely benign or benign based on one or more of the following criteria: it is a conservative change, it occurs at a poorly conserved position in the protein, it is predicted to be benign by multiple in silico algorithms, and/or has population frequency not consistent with disease.

NM_002755.4(MAP2K1):c.1005A>G (p.Gln335=)

Gene: MAP2K1 (mitogen-activated protein kinase kinase 1; plus strand). Cytogenetic location: 15q22.31.
Variant type: single nucleotide variant.
Coding change: c.1005A>G on transcript NM_002755.4 (MANE Select); coding-DNA position 1005, A replaced by G.
Protein change: p.Gln335=; no amino-acid change (glutamine 335 retained).
Molecular consequence: synonymous variant.
Genome position (GRCh38, 1-based): chr15:66,489,259, A>G. VCF-style: chr15-66489259-A-G. GRCh37 (hg19) VCF-style: chr15-66781597-A-G.
Identifiers: ClinVar variation 380356 (VCV000380356.16), dbSNP rs1057520833, ClinGen allele CA16606760.